The following is an entry in ClinVar:

NM_015627.3(LDLRAP1):c.771A>C (p.Glu257Asp)

Gene: LDLRAP1 (low density lipoprotein receptor adaptor protein 1; plus strand). Cytogenetic location: 1p36.11.
Variant type: single nucleotide variant.
Coding change: c.771A>C on transcript NM_015627.3 (MANE Select); coding-DNA position 771, A replaced by C.
Protein change: p.Glu257Asp; replaces glutamic acid 257 with aspartic acid.
Molecular consequence: missense variant.
Genome position (GRCh38, 1-based): chr1:25,565,196, A>C. VCF-style: chr1-25565196-A-C. GRCh37 (hg19) VCF-style: chr1-25891687-A-C.
Other names: short protein forms E257D.
Identifiers: ClinVar variation 874275 (VCV000874275.5), dbSNP rs2044445441, ClinGen allele CA339075443.

ClinVar aggregate classification (germline): Uncertain significance. Review status: criteria provided, multiple submitters, no conflicts (2 of 4 stars). 2 submissions from 2 submitters: Uncertain significance (2). Last evaluated 2025-06-28.

Conditions:
Cardiovascular phenotype. Identifiers: MedGen CN230736.
Hypercholesterolemia, familial, 4 (FHCL4). Also called: HYPERCHOLESTEROLEMIA, AUTOSOMAL RECESSIVE, 1; HYPERCHOLESTEROLEMIA, AUTOSOMAL RECESSIVE, 2. Identifiers: Orphanet 391665, MedGen C1863512, MONDO:0011374, OMIM 603813.

Allele frequency attached by ClinVar (database versions not stated): gnomAD exomes below 0.00001; gnomAD 0.00001.
gnomAD v4.1: 3 of 1,614,026 alleles (0.00019%); highest among the groups gnomAD compares: Non-Finnish European, 0.00025%; no homozygotes.

Submissions (2):

Ambry Genetics
Classification: Uncertain significance for Cardiovascular phenotype. Last evaluated: 2025-06-28. Review status: criteria provided, single submitter. Criteria: Ambry Variant Classification Scheme 2023. Collection method: clinical testing. Allele origin: germline.
Comment: The p.E257D variant (also known as c.771A>C), located in coding exon 8 of the LDLRAP1 gene, results from an A to C substitution at nucleotide position 771. The glutamic acid at codon 257 is replaced by aspartic acid, an amino acid with highly similar properties. This amino acid position is conserved. In addition, the in silico prediction for this alteration is inconclusive. Based on the available evidence, the clinical significance of this variant remains unclear.

Illumina Laboratory Services, Illumina
Classification: Uncertain significance for Hypercholesterolemia, familial, 4. Last evaluated: 2018-01-12. Review status: criteria provided, single submitter. Criteria: ICSL Variant Classification Criteria 13 December 2019. Collection method: clinical testing. Allele origin: germline.